The following is an entry in ClinVar:

ClinVar aggregate classification (germline): Uncertain significance (1 of 4 stars; one submission).

Conditions:
Cardiovascular phenotype. Identifiers: MedGen CN230736.

Submission:

Ambry Genetics
Classification: Uncertain significance for Cardiovascular phenotype. Last evaluated: 2017-07-14. Review status: criteria provided, single submitter. Criteria: Ambry Variant Classification Scheme 2023. Collection method: clinical testing. Allele origin: germline.
Comment: The p.K26161T variant (also known as c.78482A>C), located in coding exon 185 of the TTN gene, results from an A to C substitution at nucleotide position 78482. The lysine at codon 26161 is replaced by threonine, an amino acid with some similar properties. This amino acid position is not well conserved in available vertebrate species. In addition, this alteration is predicted to be tolerated by in silico analysis. Since supporting evidence is limited at this time, the clinical significance of this alteration remains unclear.

NM_001267550.2(TTN):c.105677A>C (p.Lys35226Thr)

Genes: TTN (titin; minus strand), TTN-AS1 (TTN antisense RNA 1; plus strand), LOC129935183 (ATAC-STARR-seq lymphoblastoid active region 16808; plus strand). Cytogenetic location: 2q31.2.
Variant type: single nucleotide variant.
Coding change: c.105677A>C on transcript NM_001267550.2 (MANE Select); coding-DNA position 105677, A replaced by C.
Protein change: p.Lys35226Thr; replaces lysine 35226 with threonine.
Molecular consequence: missense variant.
Genome position (GRCh38, 1-based): chr2:178,530,938, T>G on the plus strand (A>C on the coding strand, the complement: TTN is on the minus strand). VCF-style: chr2-178530938-T-G. GRCh37 (hg19) VCF-style: chr2-179395665-T-G.
Other names: c.100754A>C, p.Lys33585Thr (NM_001256850.1); c.78482A>C, p.Lys26161Thr (NM_003319.4); c.97973A>C, p.Lys32658Thr (NM_133378.4); c.78857A>C, p.Lys26286Thr (NM_133432.3); c.79058A>C, p.Lys26353Thr (NM_133437.4); short protein forms K26161T, K35226T, K33585T, K26286T, K26353T, K32658T.
Identifiers: ClinVar variation 518674 (VCV000518674.5), dbSNP rs1553484919, ClinGen allele CA349408128.
Genomic context (GRCh38, chr2:178,530,938, plus strand): 5'-GCTTCTGGGGATTTCACCCGAGGCTCTGGGGATTTGACTCTTGGTGGTGATGTCACAGCC[T>G]TTTCAGTTACCCTGGCCTTTTGAATAGTCAGAGTGAACTCTGCTTCTTGTTTCCCTTCAC-3'
Protein context (NP_001254479.2, residues 35216-35236): LTIQKARVTE[Lys35226Thr]AVTSPPRVKS